The following is an entry in ClinVar:

ClinVar aggregate classification (germline): Uncertain significance. Review status: criteria provided, multiple submitters, no conflicts (2 of 4 stars). 3 submissions from 3 submitters: Uncertain significance (3). Last evaluated 2022-12-20.

Conditions:
Charcot-Marie-Tooth disease type 4. Also called: Charcot-Marie-Tooth, Type 4; Charcot-Marie-Tooth disease, type IV. Identifiers: Orphanet 64749, MedGen C4082197, MONDO:0018995.

Allele frequency attached by ClinVar (database versions not stated): gnomAD exomes below 0.00001; TOPMed below 0.00001.

Submissions (3):

Labcorp Genetics (formerly Invitae), Labcorp
Classification: Uncertain significance for Charcot-Marie-Tooth disease type 4. Last evaluated: 2022-12-20. Review status: criteria provided, single submitter. Criteria: Invitae Variant Classification Sherloc (09022015). Collection method: clinical testing. Allele origin: germline.
Comment: This variant is not present in population databases (gnomAD no frequency). In summary, the available evidence is currently insufficient to determine the role of this variant in disease. Therefore, it has been classified as a Variant of Uncertain Significance. Advanced modeling of protein sequence and biophysical properties (such as structural, functional, and spatial information, amino acid conservation, physicochemical variation, residue mobility, and thermodynamic stability) performed at Invitae indicates that this missense variant is not expected to disrupt SH3TC2 protein function. ClinVar contains an entry for this variant (Variation ID: 663872). This variant has not been reported in the literature in individuals affected with SH3TC2-related conditions. This sequence change replaces glycine, which is neutral and non-polar, with aspartic acid, which is acidic and polar, at codon 3 of the SH3TC2 protein (p.Gly3Asp).

Revvity Omics, Revvity
Classification: Uncertain significance. Last evaluated: 2021-11-29. Review status: criteria provided, single submitter. Criteria: ACMG Guidelines, 2015. Collection method: clinical testing. Allele origin: germline.

GeneDx
Classification: Uncertain significance. Last evaluated: 2019-09-10. Review status: criteria provided, single submitter. Criteria: GeneDx Variant Classification Process June 2021. Collection method: clinical testing. Allele origin: germline. Affected: yes.
Comment: Not observed in large population cohorts (Lek et al., 2016); In silico analysis, which includes protein predictors and evolutionary conservation, supports that this variant does not alter protein structure/function; Has not been previously published as pathogenic or benign to our knowledge

NM_024577.4(SH3TC2):c.8G>A (p.Gly3Asp)

Gene: SH3TC2 (SH3 domain and tetratricopeptide repeats 2; minus strand). Cytogenetic location: 5q32.
Variant type: single nucleotide variant.
Coding change: c.8G>A on transcript NM_024577.4 (MANE Select); coding-DNA position 8, G replaced by A.
Protein change: p.Gly3Asp; replaces glycine 3 with aspartic acid.
Molecular consequence: missense variant.
Genome position (GRCh38, 1-based): chr5:149,063,015, C>T on the plus strand (G>A on the coding strand, the complement: SH3TC2 is on the minus strand). VCF-style: chr5-149063015-C-T. GRCh37 (hg19) VCF-style: chr5-148442578-C-T.
Other names: short protein forms G3D.
Identifiers: ClinVar variation 663872 (VCV000663872.14), dbSNP rs1465198831, ClinGen allele CA361684800.